The following is an entry in ClinVar:

NM_001351132.2(PEX5):c.-17+231del

Gene: PEX5 (peroxisomal biogenesis factor 5; plus strand). Cytogenetic location: 12p13.31.
Variant type: Deletion.
Coding change: c.-17+231del on transcript NM_001351132.2 (MANE Select); 231 bases into the intron after 17 bases upstream of the start codon, one base deleted (G; older notation c.-17+231delG).
Molecular consequence: intron variant. On other transcripts: 5 prime UTR variant (5), splice donor variant (3).
Genome position (GRCh38, 1-based): chr12:7,189,981, G deleted; the last of 2 consecutive G bases (chr12:7,189,980-7,189,981); deleting either gives the same sequence. VCF-style (leftmost placement, unchanged base first): chr12-7189979-AG-A. GRCh37 (hg19) VCF-style: chr12-7342575-AG-A.
Other names: c.-252del (NM_001131025.2, NM_001351130.3); c.-397del (NM_001374647.2, NM_001374648.2, NM_001374649.2); c.-16-381del (NM_001351124.3, NM_001351131.2, NM_001351126.2); c.-211-41del (NM_001131026.2, NM_001351133.2, NM_001351127.2 and 1 more transcripts); c.-17+231del (NM_001374646.1, NM_001131023.2, NM_001351138.2 and 4 more transcripts); c.-17+1del (NM_001351135.3, NM_001300789.3, NM_001351137.3); c.-90+231del (NM_001351134.2, NM_001351128.2); c.-15+231del (NM_001374645.1).
Identifiers: ClinVar variation 3357171 (VCV003357171.3).

ClinVar aggregate classification (germline): Likely benign. Review status: criteria provided, multiple submitters, no conflicts (2 of 4 stars). 2 submissions from 2 submitters: Likely benign (2). Last evaluated 2025-01-16.

Conditions:
PEX5-related disorder. Also called: PEX5-Related Disorders; PEX5-related condition.

Submissions (2):

PreventionGenetics, part of Exact Sciences
Classification: Likely benign for PEX5-related condition. Last evaluated: 2025-01-16. Review status: criteria provided, single submitter. Criteria: ACMG Guidelines, 2015. Collection method: clinical testing. Allele origin: germline.
Comment: This variant is classified as likely benign based on ACMG/AMP sequence variant interpretation guidelines (Richards et al. 2015 PMID: 25741868, with internal and published modifications).

Blueprint Genetics
Classification: Likely benign. Last evaluated: 2024-11-22. Review status: criteria provided, single submitter. Criteria: ACMG Guidelines, 2015. Collection method: clinical testing. Allele origin: germline.